The following is an entry in ClinVar:

ClinVar aggregate classification (germline): Uncertain significance. Review status: criteria provided, multiple submitters, no conflicts (2 of 4 stars). 2 submissions from 2 submitters: Uncertain significance (2). Last evaluated 2024-05-15.

Conditions:
Epileptic encephalopathy. Identifiers: MedGen C0543888, HP:0200134.

Allele frequency attached by ClinVar (database versions not stated): ESP Exome Variant Server 0.00008; gnomAD 0.00009 and 0.00005; gnomAD exomes 0.00010; ExAC 0.00025; 1000 Genomes Project 30x 0.00031; TOPMed 0.00003.

Submissions (2):

Labcorp Genetics (formerly Invitae), Labcorp
Classification: Uncertain significance for Epileptic encephalopathy. Last evaluated: 2024-05-15. Review status: criteria provided, single submitter. Criteria: Invitae Variant Classification Sherloc (09022015). Collection method: clinical testing. Allele origin: germline.
Comment: This sequence change replaces arginine, which is basic and polar, with cysteine, which is neutral and slightly polar, at codon 1545 of the FASN protein (p.Arg1545Cys). This variant is present in population databases (rs150970220, gnomAD 0.07%), and has an allele count higher than expected for a pathogenic variant. This variant has not been reported in the literature in individuals affected with FASN-related conditions. ClinVar contains an entry for this variant (Variation ID: 837747). Algorithms developed to predict the effect of missense changes on protein structure and function output the following: SIFT: "Not Available"; PolyPhen-2: "Benign"; Align-GVGD: "Not Available". The cysteine amino acid residue is found in multiple mammalian species, which suggests that this missense change does not adversely affect protein function. In summary, the available evidence is currently insufficient to determine the role of this variant in disease. Therefore, it has been classified as a Variant of Uncertain Significance.

Revvity Omics, Revvity
Classification: Uncertain significance. Last evaluated: 2020-10-16. Review status: criteria provided, single submitter. Criteria: ACMG Guidelines, 2015. Collection method: clinical testing. Allele origin: germline.

NM_004104.5(FASN):c.4633C>T (p.Arg1545Cys)

Gene: FASN (fatty acid synthase; minus strand). Cytogenetic location: 17q25.3.
Variant type: single nucleotide variant.
Coding change: c.4633C>T on transcript NM_004104.5 (MANE Select); coding-DNA position 4633, C replaced by T.
Protein change: p.Arg1545Cys; replaces arginine 1545 with cysteine.
Molecular consequence: missense variant.
Genome position (GRCh38, 1-based): chr17:82,084,648, G>A on the plus strand (C>T on the coding strand, the complement: FASN is on the minus strand). VCF-style: chr17-82084648-G-A. GRCh37 (hg19) VCF-style: chr17-80042524-G-A.
Other names: short protein forms R1545C.
Identifiers: ClinVar variation 837747 (VCV000837747.10), dbSNP rs150970220, ClinGen allele CA8851988.